The following is an entry in ClinVar:

NM_015559.3(SETBP1):c.4780G>T (p.Val1594Phe)

Gene: SETBP1 (SET binding protein 1; plus strand). Cytogenetic location: 18q12.3.
Variant type: single nucleotide variant.
Coding change: c.4780G>T on transcript NM_015559.3 (MANE Select); coding-DNA position 4780, G replaced by T.
Protein change: p.Val1594Phe; replaces valine 1594 with phenylalanine.
Molecular consequence: missense variant.
Genome position (GRCh38, 1-based): chr18:45,063,687, G>T. VCF-style: chr18-45063687-G-T. GRCh37 (hg19) VCF-style: chr18-42643652-G-T.
Other names: c.4780G>T, p.Val1594Phe (NM_001379141.1, NM_001379142.1); c.4609G>T, p.Val1537Phe (NM_001410862.1); short protein forms V1537F, V1594F.
Identifiers: ClinVar variation 4774445 (VCV004774445.1).
Genomic context (GRCh38, chr18:45,063,687, plus strand): 5'-CCCCAGGAAGAGGAGGTGAAAGCCAAAAGGCAGAGGAAGTCCCGAGGGAGTGAGAGCGAG[G>T]TCCTTCCCTAGGGCGGGTCTGGGCGTCTGCACCTGGGGCCTAGGGAACTGACACGTGGGA-3'
Protein context (NP_056374.2, residues 1584-1596): QRKSRGSESE[Val1594Phe]LP

ClinVar aggregate classification (germline): Uncertain significance (1 of 4 stars; one submission).

gnomAD v4.1: 1 of 1,607,952 alleles (0.000062%); highest among the groups gnomAD compares: Non-Finnish European, 0.000085%; no homozygotes.

Submission:

Labcorp Genetics (formerly Invitae), Labcorp
Classification: Uncertain significance. Last evaluated: 2025-11-05. Review status: criteria provided, single submitter. Criteria: Invitae Variant Classification Sherloc (09022015). Collection method: clinical testing. Allele origin: germline.
Comment: This sequence change replaces valine, which is neutral and non-polar, with phenylalanine, which is neutral and non-polar, at codon 1594 of the SETBP1 protein (p.Val1594Phe). This variant is not present in population databases (gnomAD no frequency). This variant has not been reported in the literature in individuals affected with SETBP1-related conditions. An algorithm developed to predict the effect of missense changes on protein structure and function (PolyPhen-2) suggests that this variant is likely to be tolerated. In summary, the available evidence is currently insufficient to determine the role of this variant in disease. Therefore, it has been classified as a Variant of Uncertain Significance.